The following is an entry in ClinVar:

ClinVar aggregate classification (germline): Conflicting classifications of pathogenicity. Review status: criteria provided, conflicting classifications (1 of 4 stars). 9 submissions from 9 submitters: Uncertain significance (7); Likely benign (1). 1 of the submissions does not count toward it. Last evaluated 2025-05-27.

Conditions:
Hereditary cancer-predisposing syndrome. Also called: Neoplastic Syndromes, Hereditary; Tumor predisposition; Hereditary Cancer Syndrome; Hereditary neoplastic syndrome. Identifiers: Orphanet 140162, MedGen C0027672, MeSH D009386, MONDO:0015356.
Familial cancer of breast. Also called: BREAST CANCER, FAMILIAL; Hereditary breast cancer; hereditary breast carcinoma. Identifiers: Orphanet 227535, MedGen C0346153, MONDO:0016419, OMIM 114480. Disease mechanism: loss of function.

Allele frequency attached by ClinVar (database versions not stated): gnomAD exomes below 0.00001; TOPMed below 0.00001; gnomAD 0.00001.
gnomAD v4.1: 2 of 1,614,058 alleles (0.00012%); highest among the groups gnomAD compares: Non-Finnish European, 0.00017%; no homozygotes.

Submissions (9):

Labcorp Genetics (formerly Invitae), Labcorp
Classification: Uncertain significance for Familial cancer of breast. Last evaluated: 2025-05-27. Review status: criteria provided, single submitter. Criteria: Invitae Variant Classification Sherloc (09022015). Collection method: clinical testing. Allele origin: germline.
Comment: This sequence change replaces serine, which is neutral and polar, with arginine, which is basic and polar, at codon 271 of the PALB2 protein (p.Ser271Arg). This variant is not present in population databases (gnomAD no frequency). This variant has not been reported in the literature in individuals affected with PALB2-related conditions. ClinVar contains an entry for this variant (Variation ID: 186821). An algorithm developed to predict the effect of missense changes on protein structure and function (PolyPhen-2) suggests that this variant is likely to be tolerated. In summary, the available evidence is currently insufficient to determine the role of this variant in disease. Therefore, it has been classified as a Variant of Uncertain Significance.

Women's Health and Genetics/Laboratory Corporation of America, LabCorp
Classification: Uncertain significance. Last evaluated: 2024-09-30. Review status: criteria provided, single submitter. Criteria: LabCorp Variant Classification Summary - May 2015. Collection method: clinical testing. Allele origin: germline.
Comment: Variant summary: PALB2 c.813T>A (p.Ser271Arg) results in a non-conservative amino acid change in the encoded protein sequence. Four of five in-silico tools predict a benign effect of the variant on protein function. The variant was absent in 251420 control chromosomes. The available data on variant occurrences in the general population are insufficient to allow any conclusion about variant significance. c.813T>A has been reported in the literature in one unspecified individual from a cohort of Breast Cancer, Ovarian and pancreatic cancer, without strong evidence for causality (Bono_2021). These report(s) do not provide unequivocal conclusions about association of the variant with Breast Cancer. To our knowledge, no experimental evidence demonstrating an impact on protein function has been reported. The following publication has been ascertained in the context of this evaluation (PMID: 34371384). ClinVar contains an entry for this variant (Variation ID: 186821). Based on the evidence outlined above, the variant was classified as uncertain significance.

Ambry Genetics
Classification: Likely benign for Hereditary cancer-predisposing syndrome. Last evaluated: 2024-03-27. Review status: criteria provided, single submitter. Criteria: Ambry Variant Classification Scheme 2023. Collection method: clinical testing. Allele origin: germline.

Color Diagnostics, LLC DBA Color Health
Classification: Uncertain significance for Hereditary cancer-predisposing syndrome. Last evaluated: 2024-03-06. Review status: criteria provided, single submitter. Criteria: ACMG Guidelines, 2015. Collection method: clinical testing. Allele origin: germline.
Comment: This missense variant replaces serine with arginine at codon 271 of the PALB2 protein. Computational prediction suggests that this variant may not impact protein structure and function (internally defined REVEL score threshold <= 0.5, PMID: 27666373). Splice site prediction tools suggest that this variant may not impact RNA splicing. To our knowledge, functional studies have not been performed for this variant. This variant has not been reported in individuals affected with hereditary cancer in the literature. This variant has not been identified in the general population by the Genome Aggregation Database (gnomAD). The available evidence is insufficient to determine the role of this variant in disease conclusively. Therefore, this variant is classified as a Variant of Uncertain Significance.

Baylor Genetics
Classification: Uncertain significance for Familial cancer of breast. Last evaluated: 2023-09-21. Review status: criteria provided, single submitter. Criteria: ACMG Guidelines, 2015. Collection method: clinical testing. Allele origin: unknown.

Myriad Genetics, Inc.
Classification: Uncertain significance for Familial cancer of breast. Last evaluated: 2023-03-30. Review status: criteria provided, single submitter. Criteria: Myriad Autosomal Dominant, Autosomal Recessive and X-Linked Classification Criteria (2023). Collection method: clinical testing. Allele origin: unknown.
Comment: This variant is classified as a variant of uncertain significance as there is insufficient evidence to determine its impact on protein function and/or cancer risk.

Sema4
Classification: Uncertain significance for Hereditary cancer-predisposing syndrome. Last evaluated: 2021-05-10. Review status: criteria provided, single submitter. Criteria: Sema4 Curation Guidelines. Collection method: curation. Allele origin: germline.
Comment: The PALB2 c.813T>A (p.S271R) variant has not been reported in the literature to our knowledge. It was not observed in the large and broad cohorts of the Genome Aggregation Database (PMID: 32461654). The variant has been reported in ClinVar (Variation ID 186821). In silico tools suggest the impact of the variant on protein function is benign, though these predictions have not been confirmed by functional studies. The evidence is insufficient to meet ACMG/AMP criteria for classifying the variant as benign or pathogenic. Thus, the clinical significance of this variant is currently uncertain.

GeneDx
Classification: Uncertain significance. Last evaluated: 2019-11-26. Review status: criteria provided, single submitter. Criteria: GeneDx Variant Classification Process June 2021. Collection method: clinical testing. Allele origin: germline. Affected: yes.
Comment: Has not been previously published as pathogenic or benign to our knowledge; Not observed in large population cohorts (Lek 2016); In silico analysis, which includes protein predictors and evolutionary conservation, supports that this variant does not alter protein structure/function

Counsyl
Classification: Uncertain significance for Familial cancer of breast. Last evaluated: 2018-01-31. Review status: no assertion criteria provided. Collection method: clinical testing. Allele origin: unknown. Not counted in ClinVar's aggregate classification.

Literature cited by the submitters: PubMed 34371384 (cited by Women's Health and Genetics/Laboratory Corporation of America, LabCorp).

NM_024675.4(PALB2):c.813T>A (p.Ser271Arg)

Gene: PALB2 (partner and localizer of BRCA2; minus strand). Cytogenetic location: 16p12.2.
Variant type: single nucleotide variant.
Coding change: c.813T>A on transcript NM_024675.4 (MANE Select); coding-DNA position 813, T replaced by A.
Protein change: p.Ser271Arg; replaces serine 271 with arginine.
Molecular consequence: missense variant.
Genome position (GRCh38, 1-based): chr16:23,635,733, A>T on the plus strand (T>A on the coding strand, the complement: PALB2 is on the minus strand). VCF-style: chr16-23635733-A-T. GRCh37 (hg19) VCF-style: chr16-23647054-A-T.
Other names: short protein forms S271R.
Identifiers: ClinVar variation 186821 (VCV000186821.25), dbSNP rs786203246, ClinGen allele CA195966.
Genomic context (GRCh38, chr16:23,635,733, plus strand): 5'-TGCCTCCAAACTTACAGGTGAAGTAAATCTAATGTTTTTTAGGTCGTGAGTAGTAAGTTC[A>T]CTGCTACCTTTAGGAGGAATGTGTTCAAGGTGCTGACTACTACCGCTATCTGATAGAGTC-3'
Protein context (NP_078951.2, residues 261-281): HLEHIPPKGS[Ser271Arg]ELTTHDLKNI